The following is an entry in ClinVar:

NM_000443.4(ABCB4):c.711A>T (p.Ile237=)

Gene: ABCB4 (ATP binding cassette subfamily B member 4; minus strand). Cytogenetic location: 7q21.12.
Variant type: single nucleotide variant.
Coding change: c.711A>T on transcript NM_000443.4 (MANE Select); coding-DNA position 711, A replaced by T.
Protein change: p.Ile237=; no amino-acid change (isoleucine 237 retained).
Molecular consequence: synonymous variant.
Genome position (GRCh38, 1-based): chr7:87,450,090, T>A on the plus strand (A>T on the coding strand, the complement: ABCB4 is on the minus strand). VCF-style: chr7-87450090-T-A. GRCh37 (hg19) VCF-style: chr7-87079406-T-A.
Other names: p.Ile237=; c.711A>T, p.Ile237= (NM_018849.3, NM_018850.3).
Identifiers: ClinVar variation 256166 (VCV000256166.27), dbSNP rs2109505, ClinGen allele CA4327470.

ClinVar aggregate classification (germline): Benign/Likely benign. Review status: criteria provided, multiple submitters, no conflicts (2 of 4 stars). 13 submissions from 12 submitters: Benign (9); Likely benign (2). 2 of the submissions do not count toward it. Last evaluated 2026-04-14.

Conditions:
Low phospholipid associated cholelithiasis (GBD1). Also called: Gallstone cholecystitis; Gallbladder disease 1. Identifiers: Orphanet 69663, MedGen C2609268, MONDO:0010939, OMIM 600803.
Familial intrahepatic cholestasis. Identifiers: Orphanet 284385, MedGen CN296401, MONDO:0017290.
Cholestasis, intrahepatic, of pregnancy, 3. Identifiers: Orphanet 69665, MedGen C3554241, MONDO:0013995, OMIM 614972.
Progressive familial intrahepatic cholestasis type 3. Also called: Low Gamma-GT Familial Intrahepatic Cholestasis; MDR3 DEFICIENCY. Identifiers: Orphanet 79305, MedGen C1865643, MONDO:0011214, OMIM 602347.

Allele frequency attached by ClinVar (database versions not stated): gnomAD exomes 0.18982 and 0.20690; ExAC 0.21008; gnomAD 0.22260 and 0.22300; TOPMed 0.22408; ESP Exome Variant Server 0.22490; 1000 Genomes Project 0.26138; 1000 Genomes Project 30x 0.26546.
gnomAD v4.1: 312,076 of 1,613,670 alleles (19%); highest among the groups gnomAD compares: African/African-American, 32%; 31,385 homozygotes.

Submissions (13):

Genomenon, Inc
Classification: Benign for Familial intrahepatic cholestasis; Low phospholipid associated cholelithiasis. Last evaluated: 2026-04-14. Review status: criteria provided, single submitter. Criteria: Genomenon Sequence Variant Interpretation Standards - Updated. Collection method: curation. Allele origin: germline. Affected: no.
Comment: ABCB4 c.711A>T is a synonymous variant that retains Isoleucine at residue 237. This variant is present at high allele frequency in population databases. We classify ABCB4 p.Ile237= (c.711A>T) as a benign variant.

Labcorp Genetics (formerly Invitae), Labcorp
Classification: Benign. Last evaluated: 2026-02-04. Review status: criteria provided, single submitter. Criteria: Invitae Variant Classification Sherloc (09022015). Collection method: clinical testing. Allele origin: germline.

Women's Health and Genetics/Laboratory Corporation of America, LabCorp
Classification: Benign. Last evaluated: 2025-12-26. Review status: criteria provided, single submitter. Criteria: LabCorp Variant Classification Summary - May 2015. Collection method: clinical testing. Allele origin: germline.

Mayo Clinic Laboratories, Mayo Clinic
Classification: Likely benign. Last evaluated: 2025-01-03. Review status: criteria provided, single submitter. Criteria: ACMG Guidelines, 2015. Collection method: clinical testing. Allele origin: germline. Observed: 201 variant alleles.
Comment: BA1

Blueprint Genetics
Classification: Likely benign. Last evaluated: 2024-11-27. Review status: criteria provided, single submitter. Criteria: ACMG Guidelines, 2015. Collection method: clinical testing. Allele origin: germline.

Illumina Laboratory Services, Illumina
Classification: Benign for Progressive familial intrahepatic cholestasis type 3. Last evaluated: 2018-03-06. Review status: criteria provided, single submitter. Criteria: ICSL Variant Classification Criteria 13 December 2019. Collection method: clinical testing. Allele origin: germline.
Comment: This variant was observed in the ICSL laboratory as part of a predisposition screen in an ostensibly healthy population. It had not been previously curated by ICSL or reported in the Human Gene Mutation Database (HGMD: prior to June 1st, 2018), and was therefore a candidate for classification through an automated scoring system. Utilizing variant allele frequency, disease prevalence and penetrance estimates, and inheritance mode, an automated score was calculated to assess if this variant is too frequent to cause the disease. Based on the score and internal cut-off values, a variant classified as benign is not then subjected to further curation. The score for this variant resulted in a classification of benign for this disease.

Illumina Laboratory Services, Illumina
Classification: Benign for Cholestasis, intrahepatic, of pregnancy, 3. Last evaluated: 2018-03-06. Review status: criteria provided, single submitter. Criteria: ICSL Variant Classification Criteria 13 December 2019. Collection method: clinical testing. Allele origin: germline.
Comment: the same text as in the submission from Illumina Laboratory Services, Illumina above.

Eurofins Ntd Llc (ga)
Classification: Benign. Last evaluated: 2016-07-13. Review status: criteria provided, single submitter. Criteria: EGL Classification Definitions 2015. Collection method: clinical testing. Allele origin: germline. Observed: 1 variant allele, 1 homozygote.

GeneDx
Classification: Benign. Last evaluated: 2016-01-13. Review status: criteria provided, single submitter. Criteria: GeneDx Variant Classification (06012015). Collection method: clinical testing. Allele origin: germline. Affected: yes.
Comment: This variant is considered likely benign or benign based on one or more of the following criteria: it is a conservative change, it occurs at a poorly conserved position in the protein, it is predicted to be benign by multiple in silico algorithms, and/or has population frequency not consistent with disease.

Breakthrough Genomics
Classification: Benign. Review status: criteria provided, single submitter. Criteria: ACMG Guidelines, 2015. Collection method: not provided. Allele origin: germline. Inheritance: Autosomal recessive inheritance. Affected: yes.

PreventionGenetics, part of Exact Sciences
Classification: Benign. Review status: criteria provided, single submitter. Criteria: ACMG Guidelines, 2015. Collection method: clinical testing. Allele origin: germline.

Diagnostic Laboratory, Department of Genetics, University Medical Center Groningen
Classification: Benign. Review status: no assertion criteria provided. Collection method: clinical testing. Allele origin: germline. Affected: yes. Study: VKGL Data-share Consensus. Not counted in ClinVar's aggregate classification.

Joint Genome Diagnostic Labs from Nijmegen and Maastricht, Radboudumc and MUMC+
Classification: Benign. Review status: no assertion criteria provided. Collection method: clinical testing. Allele origin: germline. Affected: yes. Study: VKGL Data-share Consensus. Not counted in ClinVar's aggregate classification.